The following is an entry in ClinVar:

NM_000053.4(ATP7B):c.4125-14T>A

Gene: ATP7B (ATPase copper transporting beta; minus strand). Cytogenetic location: 13q14.3.
Variant type: single nucleotide variant.
Coding change: c.4125-14T>A on transcript NM_000053.4 (MANE Select); 14 bases into the intron before coding-DNA position 4125, T replaced by A.
Molecular consequence: intron variant.
Genome position (GRCh38, 1-based): chr13:51,935,043, A>T on the plus strand (T>A on the coding strand, the complement: ATP7B is on the minus strand). VCF-style: chr13-51935043-A-T. GRCh37 (hg19) VCF-style: chr13-52509179-A-T.
Other names: c.3873-14T>A (NM_001406532.1, NM_001330579.2, NM_001406531.1); c.3792-14T>A (NM_001243182.2); c.2835-14T>A (NM_001406548.1); c.3948-14T>A (NM_001406524.1); c.4092-14T>A (NM_001406514.1); c.3282-14T>A (NM_001406547.1); c.3477-14T>A (NM_001406545.1); c.3504-14T>A (NM_001005918.3); and 21 more.
Identifiers: ClinVar variation 3070464 (VCV003070464.1), dbSNP rs766518264, ClinGen allele CA6988473.

ClinVar aggregate classification (germline): Uncertain significance (1 of 4 stars; one submission).

Conditions:
Wilson disease (WND). Also called: Wilson's disease. Identifiers: Orphanet 905, MedGen C0019202, MONDO:0010200, OMIM 277900. Disease mechanism: loss of function.

Allele frequency attached by ClinVar (database versions not stated): gnomAD exomes below 0.00001; ExAC 0.00002.
gnomAD v4.1: 3 of 1,612,820 alleles (0.00019%); highest among the groups gnomAD compares: Non-Finnish European, 0.00025%; no homozygotes.

Submission:

All of Us Research Program, National Institutes of Health
Classification: Uncertain significance for Wilson disease. Last evaluated: 2023-04-10. Review status: criteria provided, single submitter. Criteria: ACMG Guidelines, 2015. Collection method: clinical testing. Allele origin: germline. Inheritance: Autosomal recessive inheritance. Observed: 1 variant allele, 1 heterozygote.
Comment: This variant causes a T to A nucleotide substitution at the -14 position of intron 20 of the ATP7B gene. To our knowledge, functional studies have not been reported for this variant. This variant has not been reported in individuals affected with Wilson disease in the literature. This variant has been identified in 2/246616 chromosomes in the general population by the Genome Aggregation Database (gnomAD). The available evidence is insufficient to determine the role of this variant in disease conclusively. Therefore, this variant is classified as a Variant of Uncertain Significance.

This study involves interpretation of variants in research participants for the purpose of population health screening. Participant phenotype was not available at the time of variant classification. Additional details can be found in publication PMID: 35346344, PMCID: PMC8962531